The following is an entry in ClinVar:

NM_130384.3(ATRIP):c.2131G>T (p.Asp711Tyr)

Genes: ATRIP (ATR interacting protein; plus strand), ATRIP-TREX1 (ATRIP-TREX1 readthrough; plus strand). Cytogenetic location: 3p21.31.
Variant type: single nucleotide variant.
Coding change: c.2131G>T on transcript NM_130384.3 (MANE Select); coding-DNA position 2131, G replaced by T.
Protein change: p.Asp711Tyr; replaces aspartic acid 711 with tyrosine.
Molecular consequence: missense variant. On other transcripts: non-coding transcript variant (1).
Genome position (GRCh38, 1-based): chr3:48,464,906, G>T. VCF-style: chr3-48464906-G-T. GRCh37 (hg19) VCF-style: chr3-48506305-G-T.
Other names: c.1750G>T, p.Asp584Tyr (NM_001271022.2); c.1852G>T, p.Asp618Tyr (NM_001271023.2); c.2050G>T, p.Asp684Tyr (NM_032166.4); c.2131G>T (NM_130384.1); short protein forms D584Y, D618Y, D684Y, D711Y.
Identifiers: ClinVar variation 2428306 (VCV002428306.7), dbSNP rs72556553, ClinGen allele CA2376408.
Genomic context (GRCh38, chr3:48,464,906, plus strand): 5'-ACGGTGATGTTGCACAGACAGTGGCTGACAGTGCGGAGGGCAGGGGGACCCCCAAGGACC[G>T]ACCAGCAGAGGCGGACAGTGCGCTGTCTGCGGGACACGGTGCTGCTGCTGCACGGCCTAT-3'
Protein context (NP_569055.1, residues 701-721): VRRAGGPPRT[Asp711Tyr]QQRRTVRCLR

ClinVar aggregate classification (germline): Conflicting classifications of pathogenicity. Review status: criteria provided, conflicting classifications (1 of 4 stars). 2 submissions from 2 submitters: Uncertain significance (1); Likely benign (1). Last evaluated 2025-11-04.

gnomAD v4.1: 171 of 1,613,954 alleles (0.011%); highest among the groups gnomAD compares: Non-Finnish European, 0.0089%; no homozygotes.

Submissions (2):

Labcorp Genetics (formerly Invitae), Labcorp
Classification: Uncertain significance. Last evaluated: 2025-11-04. Review status: criteria provided, single submitter. Criteria: Invitae Variant Classification Sherloc (09022015). Collection method: clinical testing. Allele origin: germline.
Comment: This sequence change replaces aspartic acid, which is acidic and polar, with tyrosine, which is neutral and polar, at codon 711 of the ATRIP protein (p.Asp711Tyr). This variant is present in population databases (rs72556553, gnomAD 0.08%). This variant has not been reported in the literature in individuals affected with ATRIP-related conditions. ClinVar contains an entry for this variant (Variation ID: 2428306). An algorithm developed to predict the effect of missense changes on protein structure and function (PolyPhen-2) suggests that this variant is likely to be tolerated. In summary, the available evidence is currently insufficient to determine the role of this variant in disease. Therefore, it has been classified as a Variant of Uncertain Significance.

Ambry Genetics
Classification: Likely benign. Last evaluated: 2024-12-06. Review status: criteria provided, single submitter. Criteria: Ambry Variant Classification Scheme 2023. Collection method: clinical testing. Allele origin: germline.